The following is an entry in ClinVar:

NC_000023.10:g.(31747866_31792076)_(31792310_31838091)dup

Gene: DMD (dystrophin; minus strand). Cytogenetic location: Xp21.1.
Variant type: Duplication.
Identifiers: ClinVar variation 4887687 (VCV004887687.1).

ClinVar aggregate classification (germline): Pathogenic (1 of 4 stars; one submission).

Conditions:
Neuromuscular disease caused by qualitative or quantitative defects of dystrophin. Also called: Qualitative or quantitative defects of dystrophin. Identifiers: Orphanet 207085, MedGen C5679787, MONDO:0016147.

Submission:

Women's Health and Genetics/Laboratory Corporation of America, LabCorp
Classification: Pathogenic for Neuromuscular disease caused by qualitative or quantitative defects of dystrophin. Last evaluated: 2026-06-25. Review status: criteria provided, single submitter. Criteria: LabCorp Variant Classification Summary - May 2015. Collection method: clinical testing. Allele origin: germline.
Comment: Variant summary: The variant involves the duplication of exon 51 in the DMD gene. A presumed nomenclature of c.(7309+1_7310-1)_(7542+1_7543-1)dup has been designated for the purposes of this classification. It is assumed to be a tandem duplication in direct orientation (PMIDs: 25640679, 30054569). This Copy Number Variant (CNV) is expected to alter the reading frame and predicted to result in a truncation or absence of the encoded protein due to nonsense mediated decay (NMD). Loss-of-function variants in this gene are known to be pathogenic. The variant was absent in 16120 control chromosomes. c.(7309+1_7310-1)_(7542+1_7543-1)dup has been observed in individuals affected with Dystrophinopathies (e.g. White_2002, White_2006, Kekou_2023, Ozkalayci_2024). These data indicate that the variant is likely to be associated with disease. The following publications have been ascertained in the context of this evaluation (PMID: 38850354, 12111668, 16917894, 37754746). ClinVar contains an entry for this variant (Variation ID: 1458305). Based on the evidence outlined above, the variant was classified as pathogenic.

Literature cited by the submitters: PubMed 16917894; PubMed 12111668; PubMed 37754746; PubMed 38850354.